The following is an entry in ClinVar:

ClinVar aggregate classification (germline): Uncertain significance (1 of 4 stars; one submission).

Conditions:
Early-infantile DEE. Also called: Ohtahara syndrome; Early infantile epileptic encephalopathy with suppression bursts; Early infantile epileptic encephalopathy. Identifiers: Orphanet 1934, MedGen C0393706, MONDO:0800491.

gnomAD v4.1: 4 of 1,600,398 alleles (0.00025%); highest among the groups gnomAD compares: South Asian, 0.0045%; no homozygotes.

Submission:

Labcorp Genetics (formerly Invitae), Labcorp
Classification: Uncertain significance for Early-infantile DEE. Last evaluated: 2022-08-30. Review status: criteria provided, single submitter. Criteria: Invitae Variant Classification Sherloc (09022015). Collection method: clinical testing. Allele origin: germline.
Comment: In summary, the available evidence is currently insufficient to determine the role of this variant in disease. Therefore, it has been classified as a Variant of Uncertain Significance. Advanced modeling of protein sequence and biophysical properties (such as structural, functional, and spatial information, amino acid conservation, physicochemical variation, residue mobility, and thermodynamic stability) performed at Invitae indicates that this missense variant is not expected to disrupt KCNQ2 protein function. This variant has not been reported in the literature in individuals affected with KCNQ2-related conditions. The frequency data for this variant in the population databases is considered unreliable, as metrics indicate poor data quality at this position in the gnomAD database. This sequence change replaces proline, which is neutral and non-polar, with leucine, which is neutral and non-polar, at codon 777 of the KCNQ2 protein (p.Pro777Leu).

NM_172107.4(KCNQ2):c.2330C>T (p.Pro777Leu)

Gene: KCNQ2 (potassium voltage-gated channel subfamily Q member 2; minus strand). Cytogenetic location: 20q13.33.
Variant type: single nucleotide variant.
Coding change: c.2330C>T on transcript NM_172107.4 (MANE Select); coding-DNA position 2330, C replaced by T.
Protein change: p.Pro777Leu; replaces proline 777 with leucine.
Molecular consequence: missense variant.
Genome position (GRCh38, 1-based): chr20:63,406,933, G>A on the plus strand (C>T on the coding strand, the complement: KCNQ2 is on the minus strand). VCF-style: chr20-63406933-G-A. GRCh37 (hg19) VCF-style: chr20-62038286-G-A.
Other names: c.2384C>T, p.Pro795Leu (NM_001382235.1); c.2246C>T, p.Pro749Leu (NM_004518.6); c.2276C>T, p.Pro759Leu (NM_172106.3); c.2237C>T, p.Pro746Leu (NM_172108.5); short protein forms P746L, P749L, P759L, P795L, P777L.
Identifiers: ClinVar variation 2157679 (VCV002157679.4), dbSNP rs142729516, ClinGen allele CA9958097.